The following is an entry in ClinVar:

ClinVar aggregate classification (germline): Uncertain significance (1 of 4 stars; one submission).

Submission:

GeneDx
Classification: Uncertain significance. Last evaluated: 2024-07-26. Review status: criteria provided, single submitter. Criteria: GeneDx Variant Classification Process June 2021. Collection method: clinical testing. Allele origin: germline. Affected: yes.
Comment: Not observed at significant frequency in large population cohorts (gnomAD); In silico analysis supports that this missense variant has a deleterious effect on protein structure/function; Has not been previously published as pathogenic or benign to our knowledge

NM_015355.4(SUZ12):c.636G>T (p.Gln212His)

Gene: SUZ12 (SUZ12 polycomb repressive complex 2 subunit; plus strand). Cytogenetic location: 17q11.2.
Variant type: single nucleotide variant.
Coding change: c.636G>T on transcript NM_015355.4 (MANE Select); coding-DNA position 636, G replaced by T.
Protein change: p.Gln212His; replaces glutamine 212 with histidine.
Molecular consequence: missense variant.
Genome position (GRCh38, 1-based): chr17:31,975,526, G>T. VCF-style: chr17-31975526-G-T. GRCh37 (hg19) VCF-style: chr17-30302545-G-T.
Other names: c.567G>T, p.Gln189His (NM_001321207.2); short protein forms Q189H, Q212H.
Identifiers: ClinVar variation 3600922 (VCV003600922.1).